The following is an entry in ClinVar:

ClinVar aggregate classification (germline): Conflicting classifications of pathogenicity. Review status: criteria provided, conflicting classifications (1 of 4 stars). 4 submissions from 4 submitters: Uncertain significance (3); Likely benign (1). Last evaluated 2025-03-04.

Conditions:
Hereditary breast ovarian cancer syndrome. Also called: Hereditary breast and ovarian cancer; BRCA1- and BRCA2-Associated Hereditary Breast and Ovarian Cancer; Hereditary breast and ovarian cancer syndrome (HBOC); Hereditary breast and ovarian cancer syndrome; Breast and ovarian cancer; Hereditary breast and/or ovarian cancer syndrome. Identifiers: Orphanet 145, MedGen C0677776, MeSH D061325, MONDO:0003582. Disease mechanism: loss of function.
Hereditary cancer-predisposing syndrome. Also called: Hereditary Cancer Syndrome; Hereditary neoplastic syndrome; Neoplastic Syndromes, Hereditary; Tumor predisposition. Identifiers: Orphanet 140162, MedGen C0027672, MeSH D009386, MONDO:0015356.

Submissions (4):

Center for Genomic Medicine, Rigshospitalet, Copenhagen University Hospital
Classification: Uncertain significance. Last evaluated: 2025-03-04. Review status: criteria provided, single submitter. Criteria: ACMG Guidelines, 2015. Collection method: clinical testing. Allele origin: germline.

Labcorp Genetics (formerly Invitae), Labcorp
Classification: Uncertain significance for Hereditary breast ovarian cancer syndrome. Last evaluated: 2024-09-25. Review status: criteria provided, single submitter. Criteria: Invitae Variant Classification Sherloc (09022015). Collection method: clinical testing. Allele origin: germline.
Comment: This sequence change replaces histidine, which is basic and polar, with arginine, which is basic and polar, at codon 2074 of the BRCA2 protein (p.His2074Arg). This variant is not present in population databases (gnomAD no frequency). This variant has not been reported in the literature in individuals affected with BRCA2-related conditions. ClinVar contains an entry for this variant (Variation ID: 1752299). Invitae Evidence Modeling of protein sequence and biophysical properties (such as structural, functional, and spatial information, amino acid conservation, physicochemical variation, residue mobility, and thermodynamic stability) indicates that this missense variant is not expected to disrupt BRCA2 protein function with a negative predictive value of 95%. In summary, the available evidence is currently insufficient to determine the role of this variant in disease. Therefore, it has been classified as a Variant of Uncertain Significance.

University of Washington Department of Laboratory Medicine, University of Washington
Classification: Likely benign for Hereditary cancer-predisposing syndrome. Last evaluated: 2023-03-23. Review status: criteria provided, single submitter. Criteria: Dines et al. (Genet Med. 2020). Collection method: curation. Allele origin: germline.
Comment: Missense variant in a coldspot region where missense variants are very unlikely to be pathogenic (PMID:31911673).

BRCA2 exon 11 coldspot. Reclassification based on statistical prior probability.

Ambry Genetics
Classification: Uncertain significance for Hereditary cancer-predisposing syndrome. Last evaluated: 2021-10-18. Review status: criteria provided, single submitter. Criteria: Ambry Variant Classification Scheme 2023. Collection method: clinical testing. Allele origin: germline.
Comment: The p.H2074R variant (also known as c.6221A>G), located in coding exon 10 of the BRCA2 gene, results from an A to G substitution at nucleotide position 6221. The histidine at codon 2074 is replaced by arginine, an amino acid with highly similar properties. This amino acid position is not well conserved in available vertebrate species. In addition, this alteration is predicted to be tolerated by in silico analysis. Since supporting evidence is limited at this time, the clinical significance of this alteration remains unclear.

Literature cited by the submitters: PubMed 31911673 (cited by Center for Genomic Medicine, Rigshospitalet, Copenhagen University Hospital).

NM_000059.4(BRCA2):c.6221A>G (p.His2074Arg)

Gene: BRCA2 (BRCA2 DNA repair associated; plus strand). Cytogenetic location: 13q13.1.
Variant type: single nucleotide variant.
Coding change: c.6221A>G on transcript NM_000059.4 (MANE Select); coding-DNA position 6221, A replaced by G.
Protein change: p.His2074Arg; replaces histidine 2074 with arginine.
Molecular consequence: missense variant.
Genome position (GRCh38, 1-based): chr13:32,340,576, A>G. VCF-style: chr13-32340576-A-G. GRCh37 (hg19) VCF-style: chr13-32914713-A-G.
Other names: c.6221A>G, p.His2074Arg (NM_001406719.1, NM_001406720.1); short protein forms H2074R.
Identifiers: ClinVar variation 1752299 (VCV001752299.11), dbSNP rs2137525384, ClinGen allele CA387788871.